The following is an entry in ClinVar:

NM_001267550.2(TTN):c.101766G>T (p.Gln33922His)

Genes: TTN (titin; minus strand), TTN-AS1 (TTN antisense RNA 1; plus strand). Cytogenetic location: 2q31.2.
Variant type: single nucleotide variant.
Coding change: c.101766G>T on transcript NM_001267550.2 (MANE Select); coding-DNA position 101766, G replaced by T.
Protein change: p.Gln33922His; replaces glutamine 33922 with histidine.
Molecular consequence: missense variant.
Genome position (GRCh38, 1-based): chr2:178,534,849, C>A on the plus strand (G>T on the coding strand, the complement: TTN is on the minus strand). VCF-style: chr2-178534849-C-A. GRCh37 (hg19) VCF-style: chr2-179399576-C-A.
Other names: c.96843G>T, p.Gln32281His (NM_001256850.1); c.74571G>T, p.Gln24857His (NM_003319.4); c.94062G>T, p.Gln31354His (NM_133378.4); c.74946G>T, p.Gln24982His (NM_133432.3); c.75147G>T, p.Gln25049His (NM_133437.4); short protein forms Q31354H, Q32281H, Q24857H, Q24982H, Q25049H, Q33922H.
Identifiers: ClinVar variation 2105994 (VCV002105994.4), dbSNP rs55886356, ClinGen allele CA349419600.
Genomic context (GRCh38, chr2:178,534,849, plus strand): 5'-TGGTCTAATGTCAAAGTGTCCAATATTATGACTGTGTAAAAACTGAAGTGCTTCACAGAC[C>A]TGGTGAACATAACTTACAATTTCTCTTTCATTAAGTTCAAAAGCACTTGTGTTAATGCGC-3'
Protein context (NP_001254479.2, residues 33912-33932): NEREIVSYVH[Gln33922His]VCEALQFLHS

ClinVar aggregate classification (germline): Uncertain significance (1 of 4 stars; one submission).

Conditions:
Dilated cardiomyopathy 1G (CMD1G). Identifiers: Orphanet 154, MedGen C1858763, MONDO:0011400, OMIM 604145.
Autosomal recessive limb-girdle muscular dystrophy type 2J (LGMDR10). Also called: Limb-girdle muscular dystrophy, type 2J; MUSCULAR DYSTROPHY, LIMB-GIRDLE, AUTOSOMAL RECESSIVE 10. Identifiers: Orphanet 140922, MedGen C1837342, MONDO:0012127, OMIM 608807.

Submission:

Labcorp Genetics (formerly Invitae), Labcorp
Classification: Uncertain significance for Dilated cardiomyopathy 1G; Autosomal recessive limb-girdle muscular dystrophy type 2J. Last evaluated: 2022-03-03. Review status: criteria provided, single submitter. Criteria: Invitae Variant Classification Sherloc (09022015). Collection method: clinical testing. Allele origin: germline.
Comment: This variant is located in the M band of TTN (PMID: 25589632). Variants in this region may be relevant for neuromuscular disorders, but have not been definitively shown to cause cardiomyopathy (PMID: 23975875). In summary, the available evidence is currently insufficient to determine the role of this variant in disease. Therefore, it has been classified as a Variant of Uncertain Significance. Experimental studies and prediction algorithms are not available or were not evaluated, and the functional significance of this variant is currently unknown. This variant has not been reported in the literature in individuals affected with TTN-related conditions. This variant is not present in population databases (gnomAD no frequency). This sequence change replaces glutamine, which is neutral and polar, with histidine, which is basic and polar, at codon 33922 of the TTN protein (p.Gln33922His).

Literature cited by the submitters: PubMed 25589632; PubMed 23975875.